The following is an entry in ClinVar:

ClinVar aggregate classification (germline): Conflicting classifications of pathogenicity. Review status: criteria provided, conflicting classifications (1 of 4 stars). 3 submissions from 3 submitters: Uncertain significance (2); Likely benign (1). Last evaluated 2025-11-20.

Conditions:
Inborn genetic diseases. Identifiers: MedGen C0950123, MeSH D030342.
Brachydactyly type B1 (BDB1). Identifiers: Orphanet 572385, Orphanet 93383, MedGen C1862112, MONDO:0007220, OMIM 113000.
Autosomal recessive Robinow syndrome (RRS1). Also called: COSTOVERTEBRAL SEGMENTATION DEFECT WITH MESOMELIA; COVESDEM SYNDROME; ROR2-Related Robinow Syndrome; ROBINOW SYNDROME, AUTOSOMAL RECESSIVE 1. Identifiers: Orphanet 1507, Orphanet 97360, MedGen C5399974, MONDO:0009999, OMIM 268310.

Allele frequency attached by ClinVar (database versions not stated): gnomAD exomes 0.00002; ExAC 0.00005; gnomAD 0.00006; TOPMed 0.00012.

Submissions (3):

Labcorp Genetics (formerly Invitae), Labcorp
Classification: Uncertain significance. Last evaluated: 2025-11-20. Review status: criteria provided, single submitter. Criteria: Invitae Variant Classification Sherloc (09022015). Collection method: clinical testing. Allele origin: germline.
Comment: This sequence change replaces glycine, which is neutral and non-polar, with serine, which is neutral and polar, at codon 52 of the ROR2 protein (p.Gly52Ser). This variant is present in population databases (rs781040501, gnomAD 0.004%). This variant has not been reported in the literature in individuals affected with ROR2-related conditions. ClinVar contains an entry for this variant (Variation ID: 2143460). Invitae Evidence Modeling of protein sequence and biophysical properties (such as structural, functional, and spatial information, amino acid conservation, physicochemical variation, residue mobility, and thermodynamic stability) indicates that this missense variant is not expected to disrupt ROR2 protein function with a negative predictive value of 95%. In summary, the available evidence is currently insufficient to determine the role of this variant in disease. Therefore, it has been classified as a Variant of Uncertain Significance.

Fulgent Genetics
Classification: Uncertain significance for Brachydactyly type B1; Autosomal recessive Robinow syndrome. Last evaluated: 2024-05-13. Review status: criteria provided, single submitter. Criteria: ACMG Guidelines, 2015. Collection method: clinical testing. Allele origin: germline.

Ambry Genetics
Classification: Likely benign for Inborn genetic diseases. Last evaluated: 2024-01-23. Review status: criteria provided, single submitter. Criteria: Ambry Variant Classification Scheme 2023. Collection method: clinical testing. Allele origin: germline.

NM_004560.4(ROR2):c.154G>A (p.Gly52Ser)

Gene: ROR2 (receptor tyrosine kinase like orphan receptor 2; minus strand). Cytogenetic location: 9q22.31.
Variant type: single nucleotide variant.
Coding change: c.154G>A on transcript NM_004560.4 (MANE Select); coding-DNA position 154, G replaced by A.
Protein change: p.Gly52Ser; replaces glycine 52 with serine.
Molecular consequence: missense variant.
Genome position (GRCh38, 1-based): chr9:91,775,762, C>T on the plus strand (G>A on the coding strand, the complement: ROR2 is on the minus strand). VCF-style: chr9-91775762-C-T. GRCh37 (hg19) VCF-style: chr9-94538044-C-T.
Other names: c.154G>A, p.Gly52Ser (NM_001318204.2); c.154G>A (NM_004560.3); short protein forms G52S.
Identifiers: ClinVar variation 2143460 (VCV002143460.6), dbSNP rs781040501, ClinGen allele CA5121121.